The following is an entry in ClinVar:

NM_007327.4(GRIN1):c.768G>C (p.Gly256=)

Gene: GRIN1 (glutamate ionotropic receptor NMDA type subunit 1; plus strand). Cytogenetic location: 9q34.3.
Variant type: single nucleotide variant.
Coding change: c.768G>C on transcript NM_007327.4 (MANE Select); coding-DNA position 768, G replaced by C.
Protein change: p.Gly256=; no amino-acid change (glycine 256 retained).
Molecular consequence: synonymous variant.
Genome position (GRCh38, 1-based): chr9:137,156,765, G>C. VCF-style: chr9-137156765-G-C. GRCh37 (hg19) VCF-style: chr9-140051217-G-C.
Other names: c.768G>C, p.Gly256= (NM_000832.7, NM_021569.4); c.831G>C, p.Gly277= (NM_001185090.2, NM_001185091.2).
Identifiers: ClinVar variation 211112 (VCV000211112.24), dbSNP rs141473515, ClinGen allele CA209030.

ClinVar aggregate classification (germline): Conflicting classifications of pathogenicity. Review status: criteria provided, conflicting classifications (1 of 4 stars). 6 submissions from 6 submitters: Uncertain significance (1); Benign (3); Likely benign (2). Last evaluated 2026-01-19.

Conditions:
Inborn genetic diseases. Identifiers: MedGen C0950123, MeSH D030342.
Neurodevelopmental disorder with or without hyperkinetic movements and seizures, autosomal dominant. Also called: Intellectual disability, autosomal dominant 8. Identifiers: MedGen C3280282, MONDO:0013655, OMIM 614254.

Allele frequency attached by ClinVar (database versions not stated): gnomAD 0.00059 and 0.00080; TOPMed 0.00111; ExAC 0.00219; 1000 Genomes Project 30x 0.00359; 1000 Genomes Project 0.00419.

Submissions (6):

Labcorp Genetics (formerly Invitae), Labcorp
Classification: Benign for Neurodevelopmental disorder with or without hyperkinetic movements and seizures, autosomal dominant. Last evaluated: 2026-01-19. Review status: criteria provided, single submitter. Criteria: Invitae Variant Classification Sherloc (09022015). Collection method: clinical testing. Allele origin: germline.

Blueprint Genetics
Classification: Likely benign. Last evaluated: 2024-09-13. Review status: criteria provided, single submitter. Criteria: ACMG Guidelines, 2015. Collection method: clinical testing. Allele origin: germline.

Athena Diagnostics
Classification: Benign. Last evaluated: 2018-11-29. Review status: criteria provided, single submitter. Criteria: Athena Diagnostics Criteria. Collection method: clinical testing. Allele origin: germline.

GeneDx
Classification: Benign. Last evaluated: 2016-12-08. Review status: criteria provided, single submitter. Criteria: GeneDx Variant Classification (06012015). Collection method: clinical testing. Allele origin: germline. Affected: yes.
Comment: This variant is considered likely benign or benign based on one or more of the following criteria: it is a conservative change, it occurs at a poorly conserved position in the protein, it is predicted to be benign by multiple in silico algorithms, and/or has population frequency not consistent with disease.

Ambry Genetics
Classification: Likely benign for Inborn genetic diseases. Last evaluated: 2016-06-07. Review status: criteria provided, single submitter. Criteria: Ambry Variant Classification Scheme 2023. Collection method: clinical testing. Allele origin: germline.

Genetic Services Laboratory, University of Chicago
Classification: Uncertain significance. Last evaluated: 2015-02-10. Review status: criteria provided, single submitter. Criteria: ACMG Guidelines, 2015. Collection method: clinical testing. Allele origin: germline.